The following is an entry in ClinVar:

NM_000321.3(RB1):c.832T>A (p.Cys278Ser)

Gene: RB1 (RB transcriptional corepressor 1; plus strand). Cytogenetic location: 13q14.2.
Variant type: single nucleotide variant.
Coding change: c.832T>A on transcript NM_000321.3 (MANE Select); coding-DNA position 832, T replaced by A.
Protein change: p.Cys278Ser; replaces cysteine 278 with serine.
Molecular consequence: missense variant.
Genome position (GRCh38, 1-based): chr13:48,362,928, T>A. VCF-style: chr13-48362928-T-A. GRCh37 (hg19) VCF-style: chr13-48937064-T-A.
Other names: c.832T>A, p.Cys278Ser (NM_001407165.1, NM_001407166.1); short protein forms C278S.
Identifiers: ClinVar variation 4543779 (VCV004543779.1).

ClinVar aggregate classification (germline): Uncertain significance (1 of 4 stars; one submission).

Conditions:
Hereditary cancer-predisposing syndrome. Also called: Tumor predisposition; Hereditary Cancer Syndrome; Hereditary neoplastic syndrome; Neoplastic Syndromes, Hereditary. Identifiers: Orphanet 140162, MedGen C0027672, MeSH D009386, MONDO:0015356.

Submission:

Ambry Genetics
Classification: Uncertain significance for Hereditary cancer-predisposing syndrome. Last evaluated: 2025-09-24. Review status: criteria provided, single submitter. Criteria: Ambry Variant Classification Scheme 2023. Collection method: clinical testing. Allele origin: germline.
Comment: The p.C278S variant (also known as c.832T>A), located in coding exon 8 of the RB1 gene, results from a T to A substitution at nucleotide position 832. The cysteine at codon 278 is replaced by serine, an amino acid with dissimilar properties. This amino acid position is highly conserved in available vertebrate species. In addition, this alteration is predicted to be deleterious by in silico analysis. Based on the available evidence, the clinical significance of this variant remains unclear.